The following is an entry in ClinVar:

ClinVar aggregate classification (germline): Uncertain significance (1 of 4 stars; one submission).

Conditions:
Cobalamin C disease. Also called: Methylmalonic aciduria and homocystinuria, Vitamin B12-responsive; Vitamin B12 metabolic defect with combined deficiency of methylmalonyl-CoA mutase and homocysteine:methyltetrahydrofolate methyltransferase; methylmalonic aciduria and homocystinuria type cblC; Cobalamin-C methylmalonic acidemia and homocystinuria; Methylmalonic acidemia and homocystinuria cblC type; Methylmalonic aciduria with homocystinuria cblC type. Identifiers: Orphanet 26, Orphanet 79282, MedGen C1848561, MONDO:0010184, OMIM 277400.

Allele frequency attached by ClinVar (database versions not stated): gnomAD exomes below 0.00001; ExAC 0.00001.

Submission:

Labcorp Genetics (formerly Invitae), Labcorp
Classification: Uncertain significance for Cobalamin C disease. Last evaluated: 2025-06-20. Review status: criteria provided, single submitter. Criteria: Invitae Variant Classification Sherloc (09022015). Collection method: clinical testing. Allele origin: germline.
Comment: This sequence change replaces proline, which is neutral and non-polar, with serine, which is neutral and polar, at codon 277 of the MMACHC protein (p.Pro277Ser). This variant is present in population databases (rs747095198, gnomAD 0.004%). This variant has not been reported in the literature in individuals affected with MMACHC-related conditions. ClinVar contains an entry for this variant (Variation ID: 1717690). An algorithm developed to predict the effect of missense changes on protein structure and function outputs the following: PolyPhen-2: "Benign". The serine amino acid residue is found in multiple mammalian species, which suggests that this missense change does not adversely affect protein function. In summary, the available evidence is currently insufficient to determine the role of this variant in disease. Therefore, it has been classified as a Variant of Uncertain Significance.

NM_015506.3(MMACHC):c.829C>T (p.Pro277Ser)

Gene: MMACHC (metabolism of cobalamin associated C; plus strand). Cytogenetic location: 1p34.1.
Variant type: single nucleotide variant.
Coding change: c.829C>T on transcript NM_015506.3 (MANE Select); coding-DNA position 829, C replaced by T.
Protein change: p.Pro277Ser; replaces proline 277 with serine.
Molecular consequence: missense variant.
Genome position (GRCh38, 1-based): chr1:45,509,195, C>T. VCF-style: chr1-45509195-C-T. GRCh37 (hg19) VCF-style: chr1-45974867-C-T.
Other names: c.658C>T, p.Pro220Ser (NM_001330540.2); short protein forms P220S, P277S.
Identifiers: ClinVar variation 1717690 (VCV001717690.6), dbSNP rs747095198, ClinGen allele CA827876.